The following is an entry in ClinVar:

NM_020708.5(SLC12A5):c.723G>A (p.Met241Ile)

Gene: SLC12A5 (solute carrier family 12 member 5; plus strand). Cytogenetic location: 20q13.12.
Variant type: single nucleotide variant.
Coding change: c.723G>A on transcript NM_020708.5 (MANE Select); coding-DNA position 723, G replaced by A.
Protein change: p.Met241Ile; replaces methionine 241 with isoleucine.
Molecular consequence: missense variant.
Genome position (GRCh38, 1-based): chr20:46,040,483, G>A. VCF-style: chr20-46040483-G-A. GRCh37 (hg19) VCF-style: chr20-44669122-G-A.
Other names: c.792G>A, p.Met264Ile (NM_001134771.2); short protein forms M264I, M241I.
Identifiers: ClinVar variation 844044 (VCV000844044.10), dbSNP rs766598411, ClinGen allele CA9887134.
Genomic context (GRCh38, chr20:46,040,483, plus strand): 5'-GGAGGCAGCAGCCATGCTGAACAACATGCGTGTTTACGGCACCTGTGTGCTCACCTGCAT[G>A]GCCACTGTGGTGTTTGTGGGTGTCAAGTATGTCAACAAGTTTGCCCTTGTCTTCCTGGGT-3'
Protein context (NP_065759.1, residues 231-251): RVYGTCVLTC[Met241Ile]ATVVFVGVKY

ClinVar aggregate classification (germline): Uncertain significance (1 of 4 stars; one submission).

Conditions:
Developmental and epileptic encephalopathy, 34 (DEE34). Also called: Early infantile epileptic encephalopathy 34; SLC12A5-Related Epilepsy of Infancy with Migrating Focal Seizures. Identifiers: Orphanet 293181, MedGen C4225257, MONDO:0014718, OMIM 616645.

Allele frequency attached by ClinVar (database versions not stated): gnomAD exomes below 0.00001; ExAC 0.00001.
gnomAD v4.1: 2 of 1,614,220 alleles (0.00012%); highest among the groups gnomAD compares: Admixed American, 0.0017%; no homozygotes.

Submission:

Labcorp Genetics (formerly Invitae), Labcorp
Classification: Uncertain significance for Developmental and epileptic encephalopathy, 34. Last evaluated: 2019-01-08. Review status: criteria provided, single submitter. Criteria: Invitae Variant Classification Sherloc (09022015). Collection method: clinical testing. Allele origin: germline.
Comment: Algorithms developed to predict the effect of sequence changes on RNA splicing suggest that this variant may create or strengthen a splice site, but this prediction has not been confirmed by published transcriptional studies. In summary, the available evidence is currently insufficient to determine the role of this variant in disease. Therefore, it has been classified as a Variant of Uncertain Significance. Algorithms developed to predict the effect of missense changes on protein structure and function (SIFT, PolyPhen-2, Align-GVGD) all suggest that this variant is likely to be tolerated, but these predictions have not been confirmed by published functional studies and their clinical significance is uncertain. This sequence change replaces methionine with isoleucine at codon 241 of the SLC12A5 protein (p.Met241Ile). The methionine residue is moderately conserved and there is a small physicochemical difference between methionine and isoleucine. This variant is present in population databases (rs766598411, ExAC 0.001%). This variant has not been reported in the literature in individuals with SLC12A5-related conditions.